The following is an entry in ClinVar:

ClinVar aggregate classification (germline): Conflicting classifications of pathogenicity. Review status: criteria provided, conflicting classifications (1 of 4 stars). 5 submissions from 5 submitters: Uncertain significance (4); Benign (1). Last evaluated 2026-09-15.

Conditions:
Tuberous sclerosis 2 (TSC2). Identifiers: Orphanet 805, MedGen C1860707, MONDO:0013199, OMIM 613254.
TSC2-related disorder. Also called: TSC2-related condition; TSC2-Related Disorders.
Hereditary cancer-predisposing syndrome. Also called: Neoplastic Syndromes, Hereditary; Tumor predisposition; Hereditary Cancer Syndrome; Hereditary neoplastic syndrome. Identifiers: Orphanet 140162, MedGen C0027672, MeSH D009386, MONDO:0015356.

Allele frequency attached by ClinVar (database versions not stated): gnomAD exomes below 0.00001; gnomAD 0.00001; TOPMed 0.00001.
gnomAD v4.1: 9 of 1,612,758 alleles (0.00056%); highest among the groups gnomAD compares: South Asian, 0.0011%; no homozygotes.

Submissions (5):

PreventionGenetics, part of Exact Sciences
Classification: Uncertain significance for TSC2-related condition. Last evaluated: 2026-09-15. Review status: criteria provided, single submitter. Criteria: ACMG Guidelines, 2015. Collection method: clinical testing. Allele origin: germline.
Comment: The TSC2 c.2954A>G variant is predicted to result in the amino acid substitution p.His985Arg. To our knowledge, this variant has not been reported in the literature. This variant is reported in 0.0065% of alleles in individuals of European (Non-Finnish) descent in gnomAD. This variant has conflicting interpretations of uncertain and likely benign (Variation ID: 574929). At this time, the clinical significance of this variant is uncertain due to the absence of conclusive functional and genetic evidence.

Labcorp Genetics (formerly Invitae), Labcorp
Classification: Benign for Tuberous sclerosis 2. Last evaluated: 2025-12-22. Review status: criteria provided, single submitter. Criteria: Invitae Variant Classification Sherloc (09022015). Collection method: clinical testing. Allele origin: germline.

Ambry Genetics
Classification: Uncertain significance for Hereditary cancer-predisposing syndrome. Last evaluated: 2024-07-19. Review status: criteria provided, single submitter. Criteria: Ambry Variant Classification Scheme 2023. Collection method: clinical testing. Allele origin: germline.
Comment: The p.H985R variant (also known as c.2954A>G), located in coding exon 25 of the TSC2 gene, results from an A to G substitution at nucleotide position 2954. The histidine at codon 985 is replaced by arginine, an amino acid with highly similar properties. This amino acid position is not well conserved in available vertebrate species. In addition, the in silico prediction for this alteration is inconclusive. Since supporting evidence is limited at this time, the clinical significance of this alteration remains unclear.

GeneDx
Classification: Uncertain significance. Last evaluated: 2024-05-16. Review status: criteria provided, single submitter. Criteria: GeneDx Variant Classification Process June 2021. Collection method: clinical testing. Allele origin: germline. Affected: yes.
Comment: In silico analysis supports that this missense variant does not alter protein structure/function; Has not been previously published as pathogenic or benign to our knowledge

Genome-Nilou Lab
Classification: Uncertain significance for Tuberous sclerosis 2. Last evaluated: 2021-11-07. Review status: criteria provided, single submitter. Criteria: ACMG Guidelines, 2015. Collection method: clinical testing. Allele origin: germline. Affected: no.

NM_000548.5(TSC2):c.2954A>G (p.His985Arg)

Gene: TSC2 (TSC complex subunit 2; plus strand). Cytogenetic location: 16p13.3.
Variant type: single nucleotide variant.
Coding change: c.2954A>G on transcript NM_000548.5 (MANE Select); coding-DNA position 2954, A replaced by G.
Protein change: p.His985Arg; replaces histidine 985 with arginine.
Molecular consequence: missense variant. On other transcripts: intron variant (9).
Genome position (GRCh38, 1-based): chr16:2,077,714, A>G. VCF-style: chr16-2077714-A-G. GRCh37 (hg19) VCF-style: chr16-2127715-A-G.
Other names: c.2954A>G (NM_000548.4); c.2954A>G, p.His985Arg (NM_001114382.3); c.2837+1129A>G (NM_021055.3, NM_001370405.1, NM_001363528.2 and 2 more transcripts); c.2726+1129A>G (NM_001318827.2); c.2237+1129A>G (NM_001318831.2); c.2690+1129A>G (NM_001318829.2); c.2870+1129A>G (NM_001318832.2); short protein forms H985R.
Identifiers: ClinVar variation 574929 (VCV000574929.19), dbSNP rs1330306605, ClinGen allele CA394281541.